The following is an entry in ClinVar:

ClinVar aggregate classification (germline): Benign/Likely benign. Review status: criteria provided, multiple submitters, no conflicts (2 of 4 stars). 4 submissions from 4 submitters: Benign (2); Likely benign (1). 1 of the submissions does not count toward it. Last evaluated 2025-07-21.

Conditions:
SLC13A5-related disorder. Also called: SLC13A5-related condition.
Developmental and epileptic encephalopathy, 25 (DEE25). Also called: Epileptic encephalopathy, early infantile, 25; Developmental and epileptic encephalopathy 25, with amelogenesis imperfecta; Epileptic encephalopathy, early infantile, 25, with amelogenesis imperfecta. Identifiers: Orphanet 442835, MedGen C4014621, MONDO:0014392, OMIM 615905.

Allele frequency attached by ClinVar (database versions not stated): TOPMed 0.00001; gnomAD 0.00002 and 0.00007; gnomAD exomes 0.00005 and 0.00011; ExAC 0.00009; 1000 Genomes Project 0.00040; 1000 Genomes Project 30x 0.00047.
gnomAD v4.1: 86 of 1,613,932 alleles (0.0053%); highest among the groups gnomAD compares: South Asian, 0.076%; 1 homozygote.

Submissions (4):

Labcorp Genetics (formerly Invitae), Labcorp
Classification: Benign for Developmental and epileptic encephalopathy, 25. Last evaluated: 2025-07-21. Review status: criteria provided, single submitter. Criteria: Invitae Variant Classification Sherloc (09022015). Collection method: clinical testing. Allele origin: germline.

Genome-Nilou Lab
Classification: Benign for Developmental and epileptic encephalopathy, 25. Last evaluated: 2021-07-15. Review status: criteria provided, single submitter. Criteria: ACMG Guidelines, 2015. Collection method: clinical testing. Allele origin: germline. Affected: no.

GeneDx
Classification: Likely benign. Last evaluated: 2017-01-09. Review status: criteria provided, single submitter. Criteria: GeneDx Variant Classification (06012015). Collection method: clinical testing. Allele origin: germline. Affected: yes.
Comment: This variant is considered likely benign or benign based on one or more of the following criteria: it is a conservative change, it occurs at a poorly conserved position in the protein, it is predicted to be benign by multiple in silico algorithms, and/or has population frequency not consistent with disease.

PreventionGenetics, part of Exact Sciences
Classification: Likely benign for SLC13A5-related condition. Last evaluated: 2024-05-09. Review status: no assertion criteria provided. Collection method: clinical testing. Allele origin: germline. Not counted in ClinVar's aggregate classification.
Comment: This variant is classified as likely benign based on ACMG/AMP sequence variant interpretation guidelines (Richards et al. 2015 PMID: 25741868, with internal and published modifications).

NM_177550.5(SLC13A5):c.120C>T (p.Tyr40=)

Gene: SLC13A5 (solute carrier family 13 member 5; minus strand). Cytogenetic location: 17p13.1.
Variant type: single nucleotide variant.
Coding change: c.120C>T on transcript NM_177550.5 (MANE Select); coding-DNA position 120, C replaced by T.
Protein change: p.Tyr40=; no amino-acid change (tyrosine 40 retained).
Molecular consequence: synonymous variant. On other transcripts: intron variant (1).
Genome position (GRCh38, 1-based): chr17:6,707,139, G>A on the plus strand (C>T on the coding strand, the complement: SLC13A5 is on the minus strand). VCF-style: chr17-6707139-G-A. GRCh37 (hg19) VCF-style: chr17-6610458-G-A.
Other names: c.120C>T, p.Tyr40= (NM_001143838.3, NM_001284509.2); c.103-361C>T (NM_001284510.2).
Identifiers: ClinVar variation 392565 (VCV000392565.15), dbSNP rs529673803, ClinGen allele CA8331863.